The following is an entry in ClinVar:

NM_181712.5(KANK4):c.1668G>A (p.Thr556=)

Gene: KANK4 (KN motif and ankyrin repeat domains 4; minus strand). Cytogenetic location: 1p31.3.
Variant type: single nucleotide variant.
Coding change: c.1668G>A on transcript NM_181712.5 (MANE Select); coding-DNA position 1668, G replaced by A.
Protein change: p.Thr556=; no amino-acid change (threonine 556 retained).
Molecular consequence: synonymous variant. On other transcripts: intron variant (1).
Genome position (GRCh38, 1-based): chr1:62,273,436, C>T on the plus strand (G>A on the coding strand, the complement: KANK4 is on the minus strand). VCF-style: chr1-62273436-C-T. GRCh37 (hg19) VCF-style: chr1-62739108-C-T.
Other names: c.17-1847G>A (NM_001320269.2); c.1668G>A (NM_181712.4).
Identifiers: ClinVar variation 2184391 (VCV002184391.5), dbSNP rs571298446, ClinGen allele CA884333.

ClinVar aggregate classification (germline): Likely benign. Review status: criteria provided, multiple submitters, no conflicts (2 of 4 stars). 2 submissions from 2 submitters: Likely benign (2). Last evaluated 2026-06-10.

Conditions:
KANK4-related disorder. Also called: KANK4-related condition.

Allele frequency attached by ClinVar (database versions not stated): TOPMed 0.00001; gnomAD 0.00004; gnomAD exomes 0.00007; 1000 Genomes Project 30x 0.00016; 1000 Genomes Project 0.00020; ExAC 0.00022.

Submissions (2):

PreventionGenetics, part of Exact Sciences
Classification: Likely benign for KANK4-related condition. Last evaluated: 2026-06-10. Review status: criteria provided, single submitter. Criteria: ACMG Guidelines, 2015. Collection method: clinical testing. Allele origin: germline.
Comment: This variant is classified as likely benign based on ACMG/AMP sequence variant interpretation guidelines (Richards et al. 2015 PMID: 25741868, with internal and published modifications).

Labcorp Genetics (formerly Invitae), Labcorp
Classification: Likely benign. Last evaluated: 2022-05-29. Review status: criteria provided, single submitter. Criteria: Invitae Variant Classification Sherloc (09022015). Collection method: clinical testing. Allele origin: germline.